The following is an entry in ClinVar:

NM_001375567.1(FOCAD):c.49C>A (p.Gln17Lys)

Gene: FOCAD (focadhesin; plus strand). Cytogenetic location: 9p21.3.
Variant type: single nucleotide variant.
Coding change: c.49C>A on transcript NM_001375567.1 (MANE Select); coding-DNA position 49, C replaced by A.
Protein change: p.Gln17Lys; replaces glutamine 17 with lysine.
Molecular consequence: missense variant.
Genome position (GRCh38, 1-based): chr9:20,715,402, C>A. VCF-style: chr9-20715402-C-A. GRCh37 (hg19) VCF-style: chr9-20715401-C-A.
Other names: c.49C>A, p.Gln17Lys (NM_001375568.1, NM_001375570.1, NM_017794.5); c.49C>A (NM_017794.3); short protein forms Q17K.
Identifiers: ClinVar variation 2636103 (VCV002636103.4), dbSNP rs201120976, ClinGen allele CA5006150.

ClinVar aggregate classification (germline): Uncertain significance. Review status: criteria provided, multiple submitters, no conflicts (2 of 4 stars). 3 submissions from 3 submitters: Uncertain significance (3). Last evaluated 2024-10-13.

Conditions:
FOCAD-related disorder. Also called: FOCAD-related condition.
Inborn genetic diseases. Identifiers: MedGen C0950123, MeSH D030342.

Allele frequency attached by ClinVar (database versions not stated): ExAC 0.00004; gnomAD 0.00006; gnomAD exomes 0.00006; TOPMed 0.00006; ESP Exome Variant Server 0.00008.
gnomAD v4.1: 95 of 1,511,334 alleles (0.0063%); highest among the groups gnomAD compares: Non-Finnish European, 0.0081%; no homozygotes.

Submissions (3):

Labcorp Genetics (formerly Invitae), Labcorp
Classification: Uncertain significance. Last evaluated: 2024-10-13. Review status: criteria provided, single submitter. Criteria: Invitae Variant Classification Sherloc (09022015). Collection method: clinical testing. Allele origin: germline.
Comment: This sequence change replaces glutamine, which is neutral and polar, with lysine, which is basic and polar, at codon 17 of the FOCAD protein (p.Gln17Lys). This variant is present in population databases (rs201120976, gnomAD 0.009%). This variant has not been reported in the literature in individuals affected with FOCAD-related conditions. ClinVar contains an entry for this variant (Variation ID: 2636103). In summary, the available evidence is currently insufficient to determine the role of this variant in disease. Therefore, it has been classified as a Variant of Uncertain Significance.

Ambry Genetics
Classification: Uncertain significance for Inborn genetic diseases. Last evaluated: 2024-01-23. Review status: criteria provided, single submitter. Criteria: Ambry Variant Classification Scheme 2023. Collection method: clinical testing. Allele origin: germline.

PreventionGenetics, part of Exact Sciences
Classification: Uncertain significance for FOCAD-related condition. Last evaluated: 2023-03-14. Review status: criteria provided, single submitter. Criteria: ACMG Guidelines, 2015. Collection method: clinical testing. Allele origin: germline.
Comment: The FOCAD c.49C>A variant is predicted to result in the amino acid substitution p.Gln17Lys. To our knowledge, this variant has not been reported in the literature or in a large population database, indicating this variant is rare. At this time, the clinical significance of this variant is uncertain due to the absence of conclusive functional and genetic evidence.